The following is an entry in ClinVar:

ClinVar aggregate classification (germline): Uncertain significance. Review status: criteria provided, multiple submitters, no conflicts (2 of 4 stars). 2 submissions from 2 submitters: Uncertain significance (2). Last evaluated 2024-12-08.

Conditions:
Hereditary cancer-predisposing syndrome. Also called: Hereditary neoplastic syndrome; Neoplastic Syndromes, Hereditary; Tumor predisposition; Hereditary Cancer Syndrome. Identifiers: Orphanet 140162, MedGen C0027672, MeSH D009386, MONDO:0015356.
Oligodontia-cancer predisposition syndrome. Also called: TOOTH AGENESIS-COLORECTAL CANCER SYNDROME. Identifiers: Orphanet 300576, MedGen C1837750, MONDO:0012075, OMIM 608615. Disease mechanism: loss of function.

Submissions (2):

Ambry Genetics
Classification: Uncertain significance for Hereditary cancer-predisposing syndrome. Last evaluated: 2024-12-08. Review status: criteria provided, single submitter. Criteria: Ambry Variant Classification Scheme 2023. Collection method: clinical testing. Allele origin: germline.
Comment: The p.G223V variant (also known as c.668G>T), located in coding exon 1 of the AXIN2 gene, results from a G to T substitution at nucleotide position 668. The glycine at codon 223 is replaced by valine, an amino acid with dissimilar properties. This amino acid position is conserved. In addition, this alteration is predicted to be deleterious by in silico analysis. Based on the available evidence, the clinical significance of this variant remains unclear.

Labcorp Genetics (formerly Invitae), Labcorp
Classification: Uncertain significance for Oligodontia-cancer predisposition syndrome. Last evaluated: 2019-11-26. Review status: criteria provided, single submitter. Criteria: Invitae Variant Classification Sherloc (09022015). Collection method: clinical testing. Allele origin: germline.
Comment: In summary, the available evidence is currently insufficient to determine the role of this variant in disease. Therefore, it has been classified as a Variant of Uncertain Significance. Algorithms developed to predict the effect of missense changes on protein structure and function are either unavailable or do not agree on the potential impact of this missense change (SIFT: "Deleterious"; PolyPhen-2: "Probably Damaging"; Align-GVGD: "Class C15"). This variant has not been reported in the literature in individuals with AXIN2-related conditions. This variant is not present in population databases (ExAC no frequency). This sequence change replaces glycine with valine at codon 223 of the AXIN2 protein (p.Gly223Val). The glycine residue is highly conserved and there is a moderate physicochemical difference between glycine and valine.

NM_004655.4(AXIN2):c.668G>T (p.Gly223Val)

Gene: AXIN2 (axin 2; minus strand). Cytogenetic location: 17q24.1.
Variant type: single nucleotide variant.
Coding change: c.668G>T on transcript NM_004655.4 (MANE Select); coding-DNA position 668, G replaced by T.
Protein change: p.Gly223Val; replaces glycine 223 with valine.
Molecular consequence: missense variant.
Genome position (GRCh38, 1-based): chr17:65,557,953, C>A on the plus strand (G>T on the coding strand, the complement: AXIN2 is on the minus strand). VCF-style: chr17-65557953-C-A. GRCh37 (hg19) VCF-style: chr17-63554071-C-A.
Other names: c.668G>T, p.Gly223Val (NM_001363813.1); short protein forms G223V.
Identifiers: ClinVar variation 835875 (VCV000835875.10), dbSNP rs2044295646, ClinGen allele CA400680530.